The following is an entry in ClinVar:

ClinVar aggregate classification (germline): Conflicting classifications of pathogenicity. Review status: criteria provided, conflicting classifications (1 of 4 stars). 3 submissions from 3 submitters: Uncertain significance (2); Benign (1). Last evaluated 2026-09-08.

Conditions:
Fabry disease. Also called: Fabry's disease; ALPHA-GALACTOSIDASE A DEFICIENCY; ANDERSON-FABRY DISEASE; CERAMIDE TRIHEXOSIDASE DEFICIENCY; GLA DEFICIENCY; HEREDITARY DYSTOPIC LIPIDOSIS. Identifiers: Orphanet 324, MedGen C0002986, MONDO:0010526, OMIM 301500, HP:0001071. Disease mechanism: Fabry disease is due to inactivating mutations in the X-linked GLA gene resulting in deficiency of the enzyme Alpha Galactosidase-A., loss of function.

Allele frequency attached by ClinVar (database versions not stated): gnomAD exomes below 0.00001.

Submissions (3):

Genomenon, Inc
Classification: Uncertain significance for Fabry disease. Last evaluated: 2026-09-08. Review status: criteria provided, single submitter. Criteria: Genomenon Sequence Variant Interpretation Standards - Updated. Collection method: curation. Allele origin: germline. Affected: no.
Comment: GLA p.Gly104Asp (c.311G>A) is a missense variant that changes the amino acid at codon 104 from Glycine to Aspartic acid. This variant has been reported in the published literature (PMID:39099234). It is absent or not present at a significant frequency in gnomAD. In silico models predict that this variant is possibly or probably damaging. In conclusion, we classify GLA p.Gly104Asp (c.311G>A) as a variant of uncertain significance.

Labcorp Genetics (formerly Invitae), Labcorp
Classification: Uncertain significance for Fabry disease. Last evaluated: 2025-06-12. Review status: criteria provided, single submitter. Criteria: Invitae Variant Classification Sherloc (09022015). Collection method: clinical testing. Allele origin: germline.
Comment: This sequence change replaces glycine, which is neutral and non-polar, with aspartic acid, which is acidic and polar, at codon 104 of the GLA protein (p.Gly104Asp). This variant is not present in population databases (gnomAD no frequency). This variant has not been reported in the literature in individuals affected with GLA-related conditions. ClinVar contains an entry for this variant (Variation ID: 3062165). Invitae Evidence Modeling of protein sequence and biophysical properties (such as structural, functional, and spatial information, amino acid conservation, physicochemical variation, residue mobility, and thermodynamic stability) indicates that this missense variant is not expected to disrupt GLA protein function with a negative predictive value of 80%. In summary, the available evidence is currently insufficient to determine the role of this variant in disease. Therefore, it has been classified as a Variant of Uncertain Significance.

Serv. Biochemistry and Molecular genetics, Hospital Clinic de Barcelona, Hospital Clínic de Barcelona
Classification: Benign for Fabry disease. Last evaluated: 2024-03-18. Review status: criteria provided, single submitter. Criteria: ACMG Guidelines, 2015. Collection method: clinical testing. Allele origin: germline. Inheritance: X-linked inheritance. Affected: no. Observed: 1 hemizygote.
Comment: Fabry disease is an X-linked disorder due to mutations in GLA gene. This gene codifies for alpha-galactosidase. This variant could be classified as likely pathogenic if we apply the following criteria based on the ACMG guidelines: PP2, PP3, PM1, PM2, PM5. It is the rs869312274 in dbSNP. It is not reported in ClinVar nor in HGMD although there is a variant reported as pathogenic in the same base: c.311G>T (p.Gly104Val). Taking into account that the father and the paternal uncle were carriers, that they both were healthy nowadays and that the alpha-galactosidase enzymatic activity tested in DBS was absolutely normal in both males, we consider this variant as BENIGN.

Literature cited by the submitters: PubMed 39099234 (cited by Genomenon, Inc).

NM_000169.3(GLA):c.311G>A (p.Gly104Asp)

Genes: GLA (galactosidase alpha; minus strand), RPL36A-HNRNPH2 (RPL36A-HNRNPH2 readthrough; plus strand). Cytogenetic location: Xq22.1.
Variant type: single nucleotide variant.
Coding change: c.311G>A on transcript NM_000169.3 (MANE Select); coding-DNA position 311, G replaced by A.
Protein change: p.Gly104Asp; replaces glycine 104 with aspartic acid.
Molecular consequence: missense variant. On other transcripts: non-coding transcript variant (3), intron variant (2).
Genome position (GRCh38, 1-based): chrX:101,403,869, C>T on the plus strand (G>A on the coding strand, the complement: GLA is on the minus strand). VCF-style: chrX-101403869-C-T. GRCh37 (hg19) VCF-style: chrX-100658857-C-T.
Other names: c.434G>A, p.Gly145Asp (NM_001406747.1, NM_001406749.1); c.311G>A, p.Gly104Asp (NM_001406748.1); c.301-8067C>T (NM_001199973.2); c.178-8067C>T (NM_001199974.2); short protein forms G104D, G145D.
Identifiers: ClinVar variation 3062165 (VCV003062165.5), dbSNP rs869312274, ClinGen allele CA352569.
Genomic context (GRCh38, chrX:101,403,869, plus strand): 5'-ACATAATTAGCTAGCTGGCGAATCCCATGAGGAAAGCGCTGAGGGTCTGCCTGAAGTCTG[C>T]CTTCTGAATCTCTTTGGGGAGCCATCCAACAGTCATCAATGCAGAGGTACTCATAACCTG-3'
Protein context (NP_000160.1, residues 94-114): CWMAPQRDSE[Gly104Asp]RLQADPQRFP